The following is an entry in ClinVar:

ClinVar aggregate classification (germline): Uncertain significance (1 of 4 stars; one submission).

gnomAD v4.1: 3 of 1,614,206 alleles (0.00019%); highest among the groups gnomAD compares: Non-Finnish European, 0.00025%; no homozygotes.

Submission:

Women's Health and Genetics/Laboratory Corporation of America, LabCorp
Classification: Uncertain significance. Last evaluated: 2026-01-27. Review status: criteria provided, single submitter. Criteria: LabCorp Variant Classification Summary - May 2015. Collection method: clinical testing. Allele origin: germline.
Comment: Variant summary: COL12A1 c.1219A>G (p.Met407Val) results in a conservative amino acid change in the encoded protein sequence. Algorithms developed to predict the effect of missense changes on protein structure and function are either unavailable or do not agree on the potential impact of this missense change. The variant allele was found at a frequency of 4e-06 in 249174 control chromosomes. The available data on variant occurrences in the general population are insufficient to allow any conclusion about variant significance. To our knowledge, no occurrence of c.1219A>G in individuals affected with COL12A1-related conditions and no experimental evidence demonstrating its impact on protein function have been reported. No submitters have cited clinical-significance assessments for this variant to ClinVar. Based on the evidence outlined above, the variant was classified as uncertain significance.

NM_004370.6(COL12A1):c.1219A>G (p.Met407Val)

Gene: COL12A1 (collagen type XII alpha 1 chain; minus strand). Cytogenetic location: 6q13.
Variant type: single nucleotide variant.
Coding change: c.1219A>G on transcript NM_004370.6 (MANE Select); coding-DNA position 1219, A replaced by G.
Protein change: p.Met407Val; replaces methionine 407 with valine.
Molecular consequence: missense variant. On other transcripts: intron variant (2).
Genome position (GRCh38, 1-based): chr6:75,183,923, T>C on the plus strand (A>G on the coding strand, the complement: COL12A1 is on the minus strand). VCF-style: chr6-75183923-T-C. GRCh37 (hg19) VCF-style: chr6-75893639-T-C.
Other names: c.1219A>G, p.Met407Val (NM_001424113.1, NM_001424114.1, NM_001424115.1); c.73+18797A>G (NM_001424116.1, NM_080645.3); short protein forms M407V.
Identifiers: ClinVar variation 4689566 (VCV004689566.1).
Genomic context (GRCh38, chr6:75,183,923, plus strand): 5'-CTTTCATTGGCTGAGTCTTCTCCATTATTGAAATGGGTTCACTGGATGTCATTCCCTTCA[T>C]GGCGGAAACACTGATCTGGTATTCTGTGTCTGCTGAGAGGTCGCGAACACTGAGCGTGGT-3'
Protein context (NP_004361.3, residues 397-417): DTEYQISVSA[Met407Val]KGMTSSEPIS